The following is an entry in ClinVar:

ClinVar aggregate classification (germline): Pathogenic (1 of 4 stars; one submission).

Submission:

Labcorp Genetics (formerly Invitae), Labcorp
Classification: Pathogenic. Last evaluated: 2025-10-15. Review status: criteria provided, single submitter. Criteria: Invitae Variant Classification Sherloc (09022015). Collection method: clinical testing. Allele origin: germline.
Comment: This sequence change creates a premature translational stop signal (p.Asn133Thrfs*31) in the BEST1 gene. It is expected to result in an absent or disrupted protein product. Loss-of-function variants in BEST1 are known to be pathogenic (PMID: 21825197). This variant is not present in population databases (gnomAD no frequency). This variant has not been reported in the literature in individuals affected with BEST1-related conditions. ClinVar contains an entry for this variant (Variation ID: 2737510). For these reasons, this variant has been classified as Pathogenic.

Literature cited by the submitters: PubMed 21825197.

NM_004183.4(BEST1):c.396del (p.Asn133fs)

Gene: BEST1 (bestrophin 1; plus strand). Cytogenetic location: 11q12.3.
Variant type: Deletion.
Coding change: c.396del on transcript NM_004183.4 (MANE Select); coding-DNA position 396, one base deleted (C; older notation c.396delC).
Protein change: p.Asn133fs; shifts the reading frame from asparagine 133.
Molecular consequence: frameshift variant. On other transcripts: non-coding transcript variant (1).
Genome position (GRCh38, 1-based): chr11:61,955,866, C deleted; the last of 2 consecutive C bases (chr11:61,955,865-61,955,866); deleting either gives the same sequence. VCF-style (leftmost placement, unchanged base first): chr11-61955864-GC-G. GRCh37 (hg19) VCF-style: chr11-61723336-GC-G.
Other names: c.396delC, p.Asn133Thrfs (NM_001363592.2); c.-780delC (NM_001363593.3); c.216delC, p.Asn73Thrfs (NM_001139443.3); c.216del, p.Asn73fs (NM_001300786.2, NM_001300787.2); c.78delC, p.Asn27Thrfs (NM_001363591.3); short protein forms N27fs, N133fs, N73fs.
Identifiers: ClinVar variation 2737510 (VCV002737510.3), dbSNP rs2541363496, ClinGen allele CA2613925538.